The following is an entry in ClinVar:

NM_005428.4(VAV1):c.1379G>T (p.Gly460Val)

Gene: VAV1 (vav guanine nucleotide exchange factor 1; plus strand). Cytogenetic location: 19p13.3.
Variant type: single nucleotide variant.
Coding change: c.1379G>T on transcript NM_005428.4 (MANE Select); coding-DNA position 1379, G replaced by T.
Protein change: p.Gly460Val; replaces glycine 460 with valine.
Molecular consequence: missense variant.
Genome position (GRCh38, 1-based): chr19:6,829,899, G>T. VCF-style: chr19-6829899-G-T. GRCh37 (hg19) VCF-style: chr19-6829910-G-T.
Other names: c.1379G>T, p.Gly460Val (NM_001258206.2); c.1283G>T, p.Gly428Val (NM_001258207.2); short protein forms G460V, G428V.
Identifiers: ClinVar variation 2130282 (VCV002130282.4), dbSNP rs1972013672, ClinGen allele CA403624709.

ClinVar aggregate classification (germline): Uncertain significance (1 of 4 stars; one submission).

Allele frequency attached by ClinVar (database versions not stated): TOPMed below 0.00001.
gnomAD v4.1: 1 of 1,614,196 alleles (0.000062%); highest among the groups gnomAD compares: Non-Finnish European, 0.000085%; no homozygotes.

Submission:

Labcorp Genetics (formerly Invitae), Labcorp
Classification: Uncertain significance. Last evaluated: 2024-05-06. Review status: criteria provided, single submitter. Criteria: Invitae Variant Classification Sherloc (09022015). Collection method: clinical testing. Allele origin: germline.
Comment: This sequence change replaces glycine, which is neutral and non-polar, with valine, which is neutral and non-polar, at codon 460 of the VAV1 protein (p.Gly460Val). This variant is not present in population databases (gnomAD no frequency). This variant has not been reported in the literature in individuals affected with VAV1-related conditions. ClinVar contains an entry for this variant (Variation ID: 2130282). An algorithm developed to predict the effect of missense changes on protein structure and function (PolyPhen-2) suggests that this variant is likely to be disruptive. In summary, the available evidence is currently insufficient to determine the role of this variant in disease. Therefore, it has been classified as a Variant of Uncertain Significance.